The following is an entry in ClinVar:

ClinVar aggregate classification (germline): Pathogenic. Review status: reviewed by expert panel (3 of 4 stars). 6 submissions from 6 submitters: Pathogenic (1). 5 of the submissions do not count toward it. Last evaluated 2017-12-15.

Conditions:
Malignant tumor of urinary bladder. Also called: Urinary Bladder Neoplasms; Bladder cancer; Urinary bladder cancer. Identifiers: MedGen C0005684, MONDO:0001187, OMIM 109800.
Familial cancer of breast. Also called: BREAST CANCER, FAMILIAL; hereditary breast carcinoma; Hereditary breast cancer. Identifiers: Orphanet 227535, MedGen C0346153, MONDO:0016419, OMIM 114480. Disease mechanism: loss of function.
Hereditary cancer-predisposing syndrome. Also called: Neoplastic Syndromes, Hereditary; Tumor predisposition; Hereditary neoplastic syndrome; Hereditary Cancer Syndrome. Identifiers: Orphanet 140162, MedGen C0027672, MeSH D009386, MONDO:0015356.
Hereditary breast ovarian cancer syndrome. Also called: Breast and ovarian cancer; BRCA1- and BRCA2-Associated Hereditary Breast and Ovarian Cancer; Hereditary breast and ovarian cancer; Hereditary breast and/or ovarian cancer syndrome; Hereditary breast and ovarian cancer syndrome; Hereditary breast and ovarian cancer syndrome (HBOC). Identifiers: Orphanet 145, MedGen C0677776, MeSH D061325, MONDO:0003582. Disease mechanism: loss of function.
Breast-ovarian cancer, familial, susceptibility to, 2 (BROVCA2). Also called: BRCA2 Hereditary Breast and Ovarian Cancer. Identifiers: Orphanet 145, MedGen C2675520, MONDO:0012933, OMIM 612555. Disease mechanism: loss of function.

Submissions (6):

Evidence-based Network for the Interpretation of Germline Mutant Alleles (ENIGMA)
Classification: Pathogenic for Breast-ovarian cancer, familial, susceptibility to, 2. Last evaluated: 2017-12-15. Review status: reviewed by expert panel. Criteria: ENIGMA BRCA1/2 Classification Criteria (2017-06-29). Collection method: curation. Allele origin: germline. Study: ENIGMA.
Comment: Variant allele predicted to encode a truncated non-functional protein.

Ambry Genetics
Classification: Pathogenic for Hereditary cancer-predisposing syndrome. Last evaluated: 2025-12-16. Review status: criteria provided, single submitter. Criteria: Ambry Variant Classification Scheme 2023. Collection method: clinical testing. Allele origin: germline. Not counted in ClinVar's aggregate classification.
Comment: The p.W2574* pathogenic mutation (also known as c.7722G>A), located in coding exon 15 of the BRCA2 gene, results from a G to A substitution at nucleotide position 7722. This changes the amino acid from a tryptophan to a stop codon within coding exon 15. This alteration is expected to result in loss of function by premature protein truncation or nonsense-mediated mRNA decay. As such, this alteration is interpreted as a disease-causing mutation.

Labcorp Genetics (formerly Invitae), Labcorp
Classification: Pathogenic for Hereditary breast ovarian cancer syndrome. Last evaluated: 2025-08-07. Review status: criteria provided, single submitter. Criteria: Invitae Variant Classification Sherloc (09022015). Collection method: clinical testing. Allele origin: germline. Not counted in ClinVar's aggregate classification.
Comment: This sequence change creates a premature translational stop signal (p.Trp2574*) in the BRCA2 gene. It is expected to result in an absent or disrupted protein product. Loss-of-function variants in BRCA2 are known to be pathogenic (PMID: 20104584). This variant is not present in population databases (gnomAD no frequency). This variant has not been reported in the literature in individuals affected with BRCA2-related conditions. ClinVar contains an entry for this variant (Variation ID: 409496). For these reasons, this variant has been classified as Pathogenic.

Baylor Genetics
Classification: Pathogenic for Familial cancer of breast. Last evaluated: 2022-07-24. Review status: criteria provided, single submitter. Criteria: ACMG Guidelines, 2015. Collection method: clinical testing. Allele origin: unknown. Not counted in ClinVar's aggregate classification.

Color Diagnostics, LLC DBA Color Health
Classification: Pathogenic for Hereditary cancer-predisposing syndrome. Last evaluated: 2020-01-15. Review status: criteria provided, single submitter. Criteria: ACMG Guidelines, 2015. Collection method: clinical testing. Allele origin: germline. Not counted in ClinVar's aggregate classification.
Comment: This variant changes 1 nucleotide in exon 16 of the BRCA2 gene, creating a premature translation stop signal. This variant is expected to result in an absent or non-functional protein product. This variant has not been identified in the general population by the Genome Aggregation Database (gnomAD). Loss of BRCA2 function is a known mechanism of disease. Based on the available evidence, this variant is classified as Pathogenic.

Laboratory of Urology, Hospital Clinic de Barcelona
Classification: Pathogenic for Malignant tumor of urinary bladder. Review status: no assertion criteria provided. Collection method: research. Allele origin: somatic. Affected: yes. Not counted in ClinVar's aggregate classification.

Literature cited by the submitters: PubMed 20104584 (cited by Labcorp Genetics (formerly Invitae), Labcorp).

NM_000059.4(BRCA2):c.7722G>A (p.Trp2574Ter)

Gene: BRCA2 (BRCA2 DNA repair associated; plus strand). Cytogenetic location: 13q13.1.
Variant type: single nucleotide variant.
Coding change: c.7722G>A on transcript NM_000059.4 (MANE Select); coding-DNA position 7722, G replaced by A.
Protein change: p.Trp2574Ter; replaces tryptophan 2574 with a stop codon.
Molecular consequence: nonsense.
Genome position (GRCh38, 1-based): chr13:32,357,846, G>A. VCF-style: chr13-32357846-G-A. GRCh37 (hg19) VCF-style: chr13-32931983-G-A.
Other names: short protein forms W2574*.
Identifiers: ClinVar variation 409496 (VCV000409496.21), dbSNP rs1060502433, ClinGen allele CA16614212.